The following is an entry in ClinVar:

ClinVar aggregate classification (germline): Benign. Review status: criteria provided, multiple submitters, no conflicts (2 of 4 stars). 3 submissions from 3 submitters: Benign (2). 1 of the submissions does not count toward it. Last evaluated 2021-05-11.

Conditions:
DPP6-related disorder. Also called: DPP6-related condition.

Allele frequency attached by ClinVar (database versions not stated): gnomAD exomes 0.38713; gnomAD 0.42824 and 0.42867; TOPMed 0.43512; 1000 Genomes Project 0.43570; 1000 Genomes Project 30x 0.44191.
gnomAD v4.1: 505,473 of 1,288,230 alleles (39%); highest among the groups gnomAD compares: African/African-American, 52%; 100,981 homozygotes.

Submissions (3):

GeneDx
Classification: Benign. Last evaluated: 2021-05-11. Review status: criteria provided, single submitter. Criteria: GeneDx Variant Classification Process June 2021. Collection method: clinical testing. Allele origin: germline. Affected: yes.

Breakthrough Genomics
Classification: Benign. Review status: criteria provided, single submitter. Criteria: ACMG Guidelines, 2015. Collection method: not provided. Allele origin: germline. Inheritance: Autosomal dominant inheritance. Affected: yes.

PreventionGenetics, part of Exact Sciences
Classification: Benign for DPP6-related condition. Last evaluated: 2019-02-18. Review status: no assertion criteria provided. Collection method: clinical testing. Allele origin: germline. Not counted in ClinVar's aggregate classification.
Comment: This variant is classified as benign based on ACMG/AMP sequence variant interpretation guidelines (Richards et al. 2015 PMID: 25741868, with internal and published modifications).

NM_130797.4(DPP6):c.1299+147A>G

Gene: DPP6 (dipeptidyl peptidase like 6; plus strand). Cytogenetic location: 7q36.2.
Variant type: single nucleotide variant.
Coding change: c.1299+147A>G on transcript NM_130797.4 (MANE Select); 147 bases into the intron after coding-DNA position 1299, A replaced by G.
Molecular consequence: intron variant. On other transcripts: synonymous variant (1).
Genome position (GRCh38, 1-based): chr7:154,796,030, A>G. VCF-style: chr7-154796030-A-G. GRCh37 (hg19) VCF-style: chr7-154587740-A-G.
Other names: c.1254A>G, p.Pro418= (NM_001364501.2); c.1116+147A>G (NM_001364500.2, NM_001364499.2, NM_001364497.2 and 1 more transcripts); c.1107+147A>G (NM_001039350.3); c.1113+147A>G (NM_001936.5); c.978+147A>G (NM_001290252.2); c.1254A>G (NM_001364501.1).
Identifiers: ClinVar variation 1251359 (VCV001251359.5), dbSNP rs10236463, ClinGen allele CA12551723.